The following is an entry in ClinVar:

ClinVar aggregate classification (germline): Uncertain significance. Review status: criteria provided, multiple submitters, no conflicts (2 of 4 stars). 6 submissions from 6 submitters: Uncertain significance (6). Last evaluated 2026-08-06.

Conditions:
Ataxia-telangiectasia-like disorder (ATLD). Identifiers: MedGen C1858391, MONDO:0011457.
Hereditary cancer-predisposing syndrome. Also called: Neoplastic Syndromes, Hereditary; Tumor predisposition; Hereditary Cancer Syndrome; Hereditary neoplastic syndrome. Identifiers: Orphanet 140162, MedGen C0027672, MeSH D009386, MONDO:0015356.
Ataxia-telangiectasia-like disorder 1 (ATLD1). Identifiers: Orphanet 251347, MedGen C4012790, MONDO:0024557, OMIM 604391.

Allele frequency attached by ClinVar (database versions not stated): gnomAD exomes 0.00001 and 0.00003; gnomAD 0.00002 and 0.00003; ExAC 0.00003; TOPMed 0.00003.
gnomAD v4.1: 42 of 1,611,552 alleles (0.0026%); highest among the groups gnomAD compares: Middle Eastern, 0.016%; no homozygotes.

Submissions (6):

OLLIN Analises Genomicas, OLLIN
Classification: Uncertain significance for Ataxia-telangiectasia-like disorder 1. Last evaluated: 2026-08-06. Review status: criteria provided, single submitter. Criteria: ACMG Guidelines 2015 PMID 25741868. Collection method: clinical testing. Allele origin: germline.
Comment: This missense variant, located in exon 14 (of 20), has been reported in ClinVar (accession VCV001799775.2) and in gnomAD with an allele frequency of 0.0026%. However, to our knowledge, it has not been reported in the scientific literature. In silico analysis is inconclusive regarding the impact of this variant. According to the currently available evidence, this variant has been classified as uncertain significance (PM2_P).

Ambry Genetics
Classification: Uncertain significance for Hereditary cancer-predisposing syndrome. Last evaluated: 2025-11-04. Review status: criteria provided, single submitter. Criteria: Ambry Variant Classification Scheme 2023. Collection method: clinical testing. Allele origin: germline.
Comment: The p.R503C variant (also known as c.1507C>T), located in coding exon 13 of the MRE11A gene, results from a C to T substitution at nucleotide position 1507. The arginine at codon 503 is replaced by cysteine, an amino acid with highly dissimilar properties. This amino acid position is not well conserved in available vertebrate species. In addition, the in silico prediction for this alteration is inconclusive. Since supporting evidence is limited at this time, the clinical significance of this alteration remains unclear.

Labcorp Genetics (formerly Invitae), Labcorp
Classification: Uncertain significance for Ataxia-telangiectasia-like disorder. Last evaluated: 2025-07-14. Review status: criteria provided, single submitter. Criteria: Invitae Variant Classification Sherloc (09022015). Collection method: clinical testing. Allele origin: germline.
Comment: This sequence change replaces arginine, which is basic and polar, with cysteine, which is neutral and slightly polar, at codon 503 of the MRE11 protein (p.Arg503Cys). This variant is present in population databases (rs761458720, gnomAD 0.003%). This missense change has been observed in individual(s) with clinical features of hereditary cancer (PMID: 32522261). ClinVar contains an entry for this variant (Variation ID: 231473). An algorithm developed to predict the effect of missense changes on protein structure and function outputs the following: PolyPhen-2: "Benign". The cysteine amino acid residue is found in multiple mammalian species, which suggests that this missense change does not adversely affect protein function. In summary, the available evidence is currently insufficient to determine the role of this variant in disease. Therefore, it has been classified as a Variant of Uncertain Significance.

Blueprint Genetics
Classification: Uncertain significance. Last evaluated: 2024-04-29. Review status: criteria provided, single submitter. Criteria: ACMG Guidelines, 2015. Collection method: clinical testing. Allele origin: germline.

Institute for Clinical Genetics, University Hospital TU Dresden, University Hospital TU Dresden
Classification: Uncertain significance. Last evaluated: 2021-11-03. Review status: criteria provided, single submitter. Criteria: ACMG Guidelines, 2015. Collection method: clinical testing. Allele origin: germline.

Fulgent Genetics
Classification: Uncertain significance for Ataxia-telangiectasia-like disorder 1. Last evaluated: 2021-08-04. Review status: criteria provided, single submitter. Criteria: ACMG Guidelines, 2015. Collection method: clinical testing. Allele origin: unknown.

Literature cited by the submitters: PubMed 32522261 (cited by Labcorp Genetics (formerly Invitae), Labcorp).

NM_005591.4(MRE11):c.1507C>T (p.Arg503Cys)

Gene: MRE11 (MRE11 double strand break repair nuclease; minus strand). Cytogenetic location: 11q21.
Variant type: single nucleotide variant.
Coding change: c.1507C>T on transcript NM_005591.4 (MANE Select); coding-DNA position 1507, C replaced by T.
Protein change: p.Arg503Cys; replaces arginine 503 with cysteine.
Molecular consequence: missense variant.
Genome position (GRCh38, 1-based): chr11:94,456,332, G>A on the plus strand (C>T on the coding strand, the complement: MRE11 is on the minus strand). VCF-style: chr11-94456332-G-A. GRCh37 (hg19) VCF-style: chr11-94189498-G-A.
Other names: c.1507C>T, p.Arg503Cys (NM_001330347.2, NM_005590.4); short protein forms R503C.
Identifiers: ClinVar variation 231473 (VCV000231473.32), dbSNP rs761458720, ClinGen allele CA6235053.